The following is an entry in ClinVar:

NM_000057.4(BLM):c.65A>G (p.Asn22Ser)

Gene: BLM (BLM RecQ like helicase; plus strand). Cytogenetic location: 15q26.1.
Variant type: single nucleotide variant.
Coding change: c.65A>G on transcript NM_000057.4 (MANE Select); coding-DNA position 65, A replaced by G.
Protein change: p.Asn22Ser; replaces asparagine 22 with serine.
Molecular consequence: missense variant. On other transcripts: 5 prime UTR variant (1).
Genome position (GRCh38, 1-based): chr15:90,747,457, A>G. VCF-style: chr15-90747457-A-G. GRCh37 (hg19) VCF-style: chr15-91290687-A-G.
Other names: c.65A>G, p.Asn22Ser (NM_001287246.2, NM_001287247.2); c.-1227A>G (NM_001287248.2); short protein forms N22S.
Identifiers: ClinVar variation 3991675 (VCV003991675.1).

ClinVar aggregate classification (germline): Uncertain significance (1 of 4 stars; one submission).

Conditions:
Hereditary cancer-predisposing syndrome. Also called: Tumor predisposition; Hereditary neoplastic syndrome; Neoplastic Syndromes, Hereditary; Hereditary Cancer Syndrome. Identifiers: Orphanet 140162, MedGen C0027672, MeSH D009386, MONDO:0015356.

Submission:

Ambry Genetics
Classification: Uncertain significance for Hereditary cancer-predisposing syndrome. Last evaluated: 2025-05-19. Review status: criteria provided, single submitter. Criteria: Ambry Variant Classification Scheme 2023. Collection method: clinical testing. Allele origin: germline.
Comment: The p.N22S variant (also known as c.65A>G), located in coding exon 1 of the BLM gene, results from an A to G substitution at nucleotide position 65. The asparagine at codon 22 is replaced by serine, an amino acid with highly similar properties. This amino acid position is conserved. In addition, this alteration is predicted to be tolerated by in silico analysis. Based on the available evidence, the clinical significance of this variant remains unclear.